The following is an entry in ClinVar:

NM_000836.4(GRIN2D):c.3484_3498dup (p.Trp1166_Asp1167insArgAlaGlySerTrp)

Gene: GRIN2D (glutamate ionotropic receptor NMDA type subunit 2D; plus strand). Cytogenetic location: 19q13.33.
Variant type: Duplication.
Coding change: c.3484_3498dup on transcript NM_000836.4 (MANE Select); coding-DNA positions 3484 to 3498, 15 bases duplicated (CGCGCCGGGAGCTGG).
Protein change: p.Trp1166_Asp1167insArgAlaGlySerTrp.
Molecular consequence: inframe insertion.
Genome position (GRCh38, 1-based): chr19:48,443,410-48,443,424, CGCGCCGGGAGCTGG duplicated; duplicating any 15 consecutive bases within chr19:48,443,405-48,443,424 gives the same sequence; the c. name uses the placement nearest the transcript's 3' end. VCF-style (leftmost placement, unchanged base first): chr19-48443404-G-GGCTGGCGCGCCGGGA. GRCh37 (hg19) VCF-style: chr19-48946661-G-GGCTGGCGCGCCGGGA.
Identifiers: ClinVar variation 3623878 (VCV003623878.2).

ClinVar aggregate classification (germline): Uncertain significance (1 of 4 stars; one submission).

Submission:

Labcorp Genetics (formerly Invitae), Labcorp
Classification: Uncertain significance. Last evaluated: 2024-03-20. Review status: criteria provided, single submitter. Criteria: Invitae Variant Classification Sherloc (09022015). Collection method: clinical testing. Allele origin: germline.
Comment: This variant, c.3484_3498dup, results in the insertion of 5 amino acid(s) of the GRIN2D protein (p.Arg1162_Trp1166dup), but otherwise preserves the integrity of the reading frame. This variant is not present in population databases (gnomAD no frequency). This variant has not been reported in the literature in individuals affected with GRIN2D-related conditions. Experimental studies and prediction algorithms are not available or were not evaluated, and the functional significance of this variant is currently unknown. In summary, the available evidence is currently insufficient to determine the role of this variant in disease. Therefore, it has been classified as a Variant of Uncertain Significance.